The following is an entry in ClinVar:

NM_000179.3(MSH6):c.3632T>C (p.Leu1211Pro)

Gene: MSH6 (mutS homolog 6; plus strand). Cytogenetic location: 2p16.3.
Variant type: single nucleotide variant.
Coding change: c.3632T>C on transcript NM_000179.3 (MANE Select); coding-DNA position 3632, T replaced by C.
Protein change: p.Leu1211Pro; replaces leucine 1211 with proline.
Molecular consequence: missense variant.
Genome position (GRCh38, 1-based): chr2:47,805,693, T>C. VCF-style: chr2-47805693-T-C. GRCh37 (hg19) VCF-style: chr2-48032832-T-C.
Other names: c.3242T>C, p.Leu1081Pro (NM_001281492.2); c.2726T>C, p.Leu909Pro (NM_001281493.2, NM_001281494.2); short protein forms L1211P, L1081P, L909P.
Identifiers: ClinVar variation 219294 (VCV000219294.25), dbSNP rs864622041, ClinGen allele CA350757.

ClinVar aggregate classification (germline): Pathogenic. Review status: reviewed by expert panel (3 of 4 stars). 10 submissions from 10 submitters: Pathogenic (1). 9 of the submissions do not count toward it. Last evaluated 2019-06-21.

Conditions:
Lynch syndrome. Identifiers: Orphanet 144, MedGen C4552100, MONDO:0005835. Disease mechanism: loss of function.
Hereditary nonpolyposis colorectal neoplasms. Identifiers: MedGen C0009405, MeSH D003123.
MSH6-related disorder. Also called: MSH6-Related disorders; MSH6-related condition.
Hereditary cancer-predisposing syndrome. Also called: Tumor predisposition; Neoplastic Syndromes, Hereditary; Hereditary Cancer Syndrome; Hereditary neoplastic syndrome. Identifiers: Orphanet 140162, MedGen C0027672, MeSH D009386, MONDO:0015356.
Lynch syndrome 5 (LYNCH5). Also called: Colorectal cancer, hereditary nonpolyposis, type 5; Hereditary non-polyposis colorectal cancer, type 5. Identifiers: Orphanet 144, MedGen C1833477, MONDO:0013710, OMIM 614350. Disease mechanism: loss of function.
Endometrial carcinoma. Also called: Endometrial carcinoma, somatic. Identifiers: MedGen C0476089, MONDO:0002447, OMIM 608089, HP:0012114.

Allele frequency attached by ClinVar (database versions not stated): gnomAD exomes below 0.00001; TOPMed below 0.00001.
gnomAD v4.1: 1 of 1,610,938 alleles (0.000062%); highest among the groups gnomAD compares: Non-Finnish European, 0.000085%; no homozygotes.

Submissions (10):

International Society for Gastrointestinal Hereditary Tumours (InSiGHT)
Classification: Pathogenic for Lynch syndrome. Last evaluated: 2019-06-21. Review status: reviewed by expert panel. Criteria: Guidelines v2.4. Collection method: curation. Allele origin: germline. Affected: yes.
Comment: Multifactorial likelihood analysis posterior probability >0.99

Labcorp Genetics (formerly Invitae), Labcorp
Classification: Pathogenic for Hereditary nonpolyposis colorectal neoplasms. Last evaluated: 2026-01-13. Review status: criteria provided, single submitter. Criteria: Invitae Variant Classification Sherloc (09022015). Collection method: clinical testing. Allele origin: germline. Not counted in ClinVar's aggregate classification.
Comment: This sequence change replaces leucine, which is neutral and non-polar, with proline, which is neutral and non-polar, at codon 1211 of the MSH6 protein (p.Leu1211Pro). This variant is not present in population databases (gnomAD no frequency). This missense change has been observed in individuals with clinical feature of Lynch syndrome (PMID: 28874130; internal data). Invitae Evidence Modeling of clinical and family history, age, sex, and reported ancestry of multiple individuals with this MSH6 variant has been performed. This variant is expected to be pathogenic with a positive predictive value of at least 99%. This is a validated machine learning model that incorporates the clinical features of 1,627,235 individuals referred to our laboratory for MSH6 testing. ClinVar contains an entry for this variant (Variation ID: 219294). Invitae Evidence Modeling incorporating data from in vitro experimental studies (internal data) indicates that this missense variant is expected to disrupt MSH6 function with a positive predictive value of 95%. Experimental studies have shown that this missense change affects MSH6 function (PMID: 31965077). For these reasons, this variant has been classified as Pathogenic.

GeneDx
Classification: Likely pathogenic. Last evaluated: 2024-11-07. Review status: criteria provided, single submitter. Criteria: GeneDx Variant Classification Process June 2021. Collection method: clinical testing. Allele origin: germline. Affected: yes. Not counted in ClinVar's aggregate classification.
Comment: Not observed at significant frequency in large population cohorts (gnomAD); In silico analysis supports that this missense variant has a deleterious effect on protein structure/function; This variant is associated with the following publications: (PMID: 33309985, 28874130, 31965077, 17531815, 21120944, 12019211, 30402230, 33647816, 21520333)

Color Diagnostics, LLC DBA Color Health
Classification: Pathogenic for Hereditary cancer-predisposing syndrome. Last evaluated: 2024-08-05. Review status: criteria provided, single submitter. Criteria: ACMG Guidelines, 2015. Collection method: clinical testing. Allele origin: germline. Not counted in ClinVar's aggregate classification.
Comment: This missense variant replaces leucine with proline at codon 1211 of the MSH6 protein. Computational prediction suggests that this variant may have deleterious impact on protein structure and function (internally defined REVEL score threshold >= 0.7, PMID: 27666373). An in vitro DNA mismatch repair assay found this variant protein to be deficient for mismatch repair activity compared to wild-type (PMID: 31965077). This variant has been observed in individuals and families affected with Lynch syndrome and/or Lynch syndrome-associated cancer, with individuals having reported tumor histopathology consistent with DNA mismatch repair deficiency or family history that meets Amsterdam I/II criteria (PMID: 21520333, 28471861, 28874130: ClinVar SCV000273358.8, SCV000551224.8). This variant has not been identified in the general population by the Genome Aggregation Database (gnomAD). Based on the available evidence, this variant is classified as Pathogenic.

Ambry Genetics
Classification: Pathogenic for Hereditary cancer-predisposing syndrome. Last evaluated: 2024-07-31. Review status: criteria provided, single submitter. Criteria: Ambry Variant Classification Scheme 2023. Collection method: clinical testing. Allele origin: germline. Not counted in ClinVar's aggregate classification.
Comment: The p.L1211P pathogenic mutation (also known as c.3632T>C), located in coding exon 7 of the MSH6 gene, results from a T to C substitution at nucleotide position 3632. The leucine at codon 1211 is replaced by proline, an amino acid with similar properties. This alteration was reported in a Brazilian family suspected of having Lynch syndrome (Rossi BM et al. BMC Cancer. 2017 Sep;17:623). This alteration was also reported in a proband whose endometrial and colorectal tumors demonstrated isolated of MSH6 staining on immunohistochemistry (IHC) and family history met Amsterdam II criteria for Lynch syndrome (Fokkema IF et al. Hum Mutat, 2011 May;32:557-63). This variant also demonstrated deficient mismatch repair activity in an in vitro complementation assay (Drost M et al. Genet Med, 2020 05;22:847-856). Based on internal structural assessment, this alteration destabilizes the fold of the ATPase domain (Warren JJ et al. Mol Cell, 2007 May;26:579-92). This amino acid position is highly conserved in available vertebrate species. In addition, this alteration is predicted to be deleterious by in silico analysis. Based on the supporting evidence, this alteration is interpreted as a disease-causing mutation.

Myriad Genetics, Inc.
Classification: Likely pathogenic for Lynch syndrome 5. Last evaluated: 2023-08-24. Review status: criteria provided, single submitter. Criteria: Myriad Autosomal Dominant, Autosomal Recessive and X-Linked Classification Criteria (2023). Collection method: clinical testing. Allele origin: unknown. Not counted in ClinVar's aggregate classification.
Comment: This variant is considered likely pathogenic. Functional studies indicate this variant impacts protein function [Myriad internal data]. This variant is expected to disrupt protein structure [Myriad internal data].

Laboratory for Molecular Medicine, Mass General Brigham Personalized Medicine
Classification: Likely pathogenic for Lynch syndrome. Last evaluated: 2023-08-02. Review status: criteria provided, single submitter. Criteria: ACMG Guidelines, 2015. Collection method: clinical testing. Allele origin: germline. Inheritance: Autosomal dominant inheritance. Not counted in ClinVar's aggregate classification.
Comment: The p.Leu1211Pro variant in MSH6 has been reported in at least 3 individuals with Lynch syndrome and segregated with disease in 2 affected relatives from 1 family (Rossi 2017 PMID: 28874130, de Paula 2021 PMID: 33647816, Libera 2016, Doctoral Thesis, Ambry pers. comm., Invitae pers. comm.). In addition, tumors sampled from 2 of these individuals showed either high microsatellite instability or lacked MSH6 expression. This variant was absent from large population studies. Computational prediction tools and conservation analyses suggest that this variant may impact the protein. Additionally, this variant was classified as Pathogenic on June 21, 2019 by the ClinGen-approved International Society for Gastrointestinal Hereditary Tumors (InSiGHT) expert panel (ClinVar Variation ID 219294). In summary, although additional studies are required to fully establish its clinical significance, this variant meets criteria to be classified as likely pathogenic for autosomal dominant Lynch syndrome. ACMG/AMP Criteria applied: PS3, PS4_Supporting, PM2_Supporting, PP3.

Quest Diagnostics Nichols Institute San Juan Capistrano
Classification: Pathogenic. Last evaluated: 2023-07-06. Review status: criteria provided, single submitter. Criteria: Quest Diagnostics criteria. Collection method: clinical testing. Allele origin: unknown. Not counted in ClinVar's aggregate classification.
Comment: The MSH6 c.3632T>C (p.Leu1211Pro) variant has been reported in the published literature in an affected family with Lynch Syndrome (PMID: 28874130 (2017)). An in vitro mismatch repair study demonstrated that this variant had no activity as compared to the wild type (PMID: 31965077 (2020)). This variant has not been reported in large, multi-ethnic general populations (Genome Aggregation Database). Analysis of this variant using bioinformatics tools for the prediction of the effect of amino acid changes on protein structure and function yielded predictions that this variant is damaging. Based on the available information, this variant is classified as pathogenic.

Blueprint Genetics
Classification: Pathogenic for MSH6-related disorders. Last evaluated: 2023-06-22. Review status: criteria provided, single submitter. Criteria: ACMG Guidelines, 2015. Collection method: clinical testing. Allele origin: germline. Affected: yes. Observed: 2 variant alleles. Not counted in ClinVar's aggregate classification.

Baylor Genetics
Classification: Likely pathogenic for Endometrial carcinoma. Last evaluated: 2022-04-08. Review status: criteria provided, single submitter. Criteria: ACMG Guidelines, 2015. Collection method: clinical testing. Allele origin: unknown. Not counted in ClinVar's aggregate classification.

Literature cited by the submitters: PubMed 28874130 (cited by 5 submitters); PubMed 31965077 (cited by 4 submitters); PubMed 21520333 (cited by Color Diagnostics, LLC DBA Color Health and Ambry Genetics); PubMed 28471861 (cited by Color Diagnostics, LLC DBA Color Health); PubMed 17531815 (cited by Ambry Genetics); PubMed 33647816 (cited by Laboratory for Molecular Medicine, Mass General Brigham Personalized Medicine).